The following is an entry in ClinVar:

NM_000306.4(POU1F1):c.440-11T>C

Gene: POU1F1 (POU class 1 homeobox 1; minus strand). Cytogenetic location: 3p11.2.
Variant type: single nucleotide variant.
Coding change: c.440-11T>C on transcript NM_000306.4 (MANE Select); 11 bases into the intron before coding-DNA position 440, T replaced by C.
Molecular consequence: intron variant.
Genome position (GRCh38, 1-based): chr3:87,262,246, A>G on the plus strand (T>C on the coding strand, the complement: POU1F1 is on the minus strand). VCF-style: chr3-87262246-A-G. GRCh37 (hg19) VCF-style: chr3-87311396-A-G.
Other names: c.518-11T>C (NM_001122757.3).
Identifiers: ClinVar variation 2969837 (VCV002969837.4), dbSNP rs756748819, ClinGen allele CA2501183.

ClinVar aggregate classification (germline): Likely benign. Review status: criteria provided, multiple submitters, no conflicts (2 of 4 stars). 2 submissions from 2 submitters: Likely benign (2). Last evaluated 2024-07-31.

Allele frequency attached by ClinVar (database versions not stated): gnomAD exomes below 0.00001; ExAC 0.00001; gnomAD 0.00001; TOPMed 0.00002.
gnomAD v4.1: 7 of 1,613,766 alleles (0.00043%); highest among the groups gnomAD compares: Admixed American, 0.0083%; no homozygotes.

Submissions (2):

Women's Health and Genetics/Laboratory Corporation of America, LabCorp
Classification: Likely benign. Last evaluated: 2024-07-31. Review status: criteria provided, single submitter. Criteria: LabCorp Variant Classification Summary - May 2015. Collection method: clinical testing. Allele origin: germline.
Comment: Variant summary: POU1F1 c.440-11T>C alters a nucleotide located at a position not widely known to affect splicing. Consensus agreement among computation tools predict no significant impact on normal splicing. However, these predictions have yet to be confirmed by functional studies. The variant allele was found at a frequency of 1.2e-05 in 251364 control chromosomes. The available data on variant occurrences in the general population are insufficient to allow any conclusion about variant significance. To our knowledge, no occurrence of c.440-11T>C in individuals affected with Combined Pituitary Hormone Deficiency and no experimental evidence demonstrating its impact on protein function have been reported. ClinVar contains an entry for this variant (Variation ID: 2969837). Based on the evidence outlined above, the variant was classified as likely benign.

Labcorp Genetics (formerly Invitae), Labcorp
Classification: Likely benign. Last evaluated: 2024-01-07. Review status: criteria provided, single submitter. Criteria: Invitae Variant Classification Sherloc (09022015). Collection method: clinical testing. Allele origin: germline.